The following is an entry in ClinVar:

NM_201550.4(LRRC10):c.194A>G (p.Asn65Ser)

Gene: LRRC10 (leucine rich repeat containing 10; minus strand). Cytogenetic location: 12q15.
Variant type: single nucleotide variant.
Coding change: c.194A>G on transcript NM_201550.4 (MANE Select); coding-DNA position 194, A replaced by G.
Protein change: p.Asn65Ser; replaces asparagine 65 with serine.
Molecular consequence: missense variant.
Genome position (GRCh38, 1-based): chr12:69,610,645, T>C on the plus strand (A>G on the coding strand, the complement: LRRC10 is on the minus strand). VCF-style: chr12-69610645-T-C. GRCh37 (hg19) VCF-style: chr12-70004425-T-C.
Other names: short protein forms N65S.
Identifiers: ClinVar variation 2989624 (VCV002989624.3), dbSNP rs773514906, ClinGen allele CA6681114.

ClinVar aggregate classification (germline): Uncertain significance (1 of 4 stars; one submission).

Allele frequency attached by ClinVar (database versions not stated): gnomAD 0.00001; ExAC 0.00002; gnomAD exomes 0.00001; TOPMed 0.00001.

Submission:

Labcorp Genetics (formerly Invitae), Labcorp
Classification: Uncertain significance. Last evaluated: 2023-10-18. Review status: criteria provided, single submitter. Criteria: Invitae Variant Classification Sherloc (09022015). Collection method: clinical testing. Allele origin: germline.
Comment: This sequence change replaces asparagine, which is neutral and polar, with serine, which is neutral and polar, at codon 65 of the LRRC10 protein (p.Asn65Ser). This variant is present in population databases (rs773514906, gnomAD 0.02%). This variant has not been reported in the literature in individuals affected with LRRC10-related conditions. Algorithms developed to predict the effect of missense changes on protein structure and function output the following: SIFT: "Not Available"; PolyPhen-2: "Benign"; Align-GVGD: "Not Available". The serine amino acid residue is found in multiple mammalian species, which suggests that this missense change does not adversely affect protein function. In summary, the available evidence is currently insufficient to determine the role of this variant in disease. Therefore, it has been classified as a Variant of Uncertain Significance.